The following is an entry in ClinVar:

ClinVar aggregate classification (germline): Uncertain significance (1 of 4 stars; one submission).

Conditions:
Galloway-Mowat syndrome 1 (GAMOS1). Identifiers: Orphanet 2065, Orphanet 83472, MedGen C4551772, MONDO:0033005, OMIM 251300.

Submission:

3billion
Classification: Uncertain significance for Galloway-Mowat syndrome 1. Last evaluated: 2022-03-22. Review status: criteria provided, single submitter. Criteria: ACMG Guidelines, 2015. Collection method: clinical testing. Allele origin: germline. Affected: yes. Observed: 1 homozygote.
Comment: Same nucleotide change resulting in same amino acid change has been previously reported to be associated with WDR73 related disorder (PMID:27001912). The variant was co-segregated with Galloway-Mowat syndrome 1 in multiple affected family members (PMID: 27001912). It is not observed in the gnomAD v2.1.1 dataset. Therefore, this variant is classified as uncertain significance according to the recommendation of ACMG/AMP guideline.

Literature cited by the submitters: PubMed 27001912.

NM_032856.5(WDR73):c.602G>A (p.Gly201Glu)

Gene: WDR73 (WD repeat domain 73; minus strand). Cytogenetic location: 15q25.2.
Variant type: single nucleotide variant.
Coding change: c.602G>A on transcript NM_032856.5 (MANE Select); coding-DNA position 602, G replaced by A.
Protein change: p.Gly201Glu; replaces glycine 201 with glutamic acid.
Molecular consequence: missense variant. On other transcripts: non-coding transcript variant (4).
Genome position (GRCh38, 1-based): chr15:84,645,752, C>T on the plus strand (G>A on the coding strand, the complement: WDR73 is on the minus strand). VCF-style: chr15-84645752-C-T. GRCh37 (hg19) VCF-style: chr15-85188983-C-T.
Other names: short protein forms G201E.
Identifiers: ClinVar variation 1526192 (VCV001526192.1), dbSNP rs2141836997, ClinGen allele CA393353346.